The following is an entry in ClinVar:

ClinVar aggregate classification (germline): Benign/Likely benign. Review status: criteria provided, multiple submitters, no conflicts (2 of 4 stars). 2 submissions from 2 submitters: Benign (1); Likely benign (1). Last evaluated 2023-09-01.

Allele frequency attached by ClinVar (database versions not stated): gnomAD exomes 0.00056 and 0.00090; ExAC 0.00059; gnomAD 0.00136 and 0.00137; TOPMed 0.00145; 1000 Genomes Project 0.00160; ESP Exome Variant Server 0.00168; 1000 Genomes Project 30x 0.00219.
gnomAD v4.1: 1,505 of 1,613,820 alleles (0.093%); highest among the groups gnomAD compares: African/African-American, 0.38%; 3 homozygotes.

Submissions (2):

CeGaT Center for Human Genetics Tuebingen
Classification: Likely benign. Last evaluated: 2023-09-01. Review status: criteria provided, single submitter. Criteria: CeGaT Center For Human Genetics Tuebingen Variant Classification Criteria Version 2. Collection method: clinical testing. Allele origin: germline. Affected: yes. Observed: 1 variant allele.
Comment: PLCH2: BP4, BP7

Labcorp Genetics (formerly Invitae), Labcorp
Classification: Benign. Last evaluated: 2018-12-03. Review status: criteria provided, single submitter. Criteria: Invitae Variant Classification Sherloc (09022015). Collection method: clinical testing. Allele origin: germline.

NM_014638.4(PLCH2):c.1257C>T (p.Ile419=)

Gene: PLCH2 (phospholipase C eta 2; plus strand). Cytogenetic location: 1p36.32.
Variant type: single nucleotide variant.
Coding change: c.1257C>T on transcript NM_014638.4 (MANE Select); coding-DNA position 1257, C replaced by T.
Protein change: p.Ile419=; no amino-acid change (isoleucine 419 retained).
Molecular consequence: synonymous variant.
Genome position (GRCh38, 1-based): chr1:2,489,228, C>T. VCF-style: chr1-2489228-C-T. GRCh37 (hg19) VCF-style: chr1-2420667-C-T.
Other names: c.1176C>T, p.Ile392= (NM_001303012.2); c.1317C>T, p.Ile439= (NM_001303013.1).
Identifiers: ClinVar variation 775490 (VCV000775490.27), dbSNP rs182643072, ClinGen allele CA538803.